The following is an entry in ClinVar:

ClinVar aggregate classification (germline): Uncertain significance (1 of 4 stars; one submission).

Submission:

Ambry Genetics
Classification: Uncertain significance. Last evaluated: 2023-05-19. Review status: criteria provided, single submitter. Criteria: Ambry Variant Classification Scheme 2023. Collection method: clinical testing. Allele origin: germline.
Comment: The p.V62E variant (also known as c.185T>A), located in coding exon 1 of the TERF2IP gene, results from a T to A substitution at nucleotide position 185. The valine at codon 62 is replaced by glutamic acid, an amino acid with dissimilar properties. This amino acid position is conserved. In addition, the in silico prediction for this alteration is inconclusive. Since supporting evidence is limited at this time, the clinical significance of this alteration remains unclear.

NM_018975.4(TERF2IP):c.185T>A (p.Val62Glu)

Gene: TERF2IP (TERF2 interacting protein; plus strand). Cytogenetic location: 16q23.1.
Variant type: single nucleotide variant.
Coding change: c.185T>A on transcript NM_018975.4 (MANE Select); coding-DNA position 185, T replaced by A.
Protein change: p.Val62Glu; replaces valine 62 with glutamic acid.
Molecular consequence: missense variant. On other transcripts: non-coding transcript variant (1).
Genome position (GRCh38, 1-based): chr16:75,648,067, T>A. VCF-style: chr16-75648067-T-A. GRCh37 (hg19) VCF-style: chr16-75681965-T-A.
Other names: short protein forms V62E.
Identifiers: ClinVar variation 2561645 (VCV002561645.2), dbSNP rs2082314530, ClinGen allele CA396817396.